The following is an entry in ClinVar:

ClinVar aggregate classification (germline): Uncertain significance (1 of 4 stars; one submission).

Submission:

CeGaT Center for Human Genetics Tuebingen
Classification: Uncertain significance. Last evaluated: 2025-10-01. Review status: criteria provided, single submitter. Criteria: CeGaT Center For Human Genetics Tuebingen Variant Classification Criteria Version 2. Collection method: clinical testing. Allele origin: germline. Affected: yes. Observed: 1 variant allele.
Comment: RPL35A: PM2

NM_000996.4(RPL35A):c.200C>T (p.Thr67Ile)

Genes: DRC9 (dynein regulatory complex subunit 9; minus strand), RPL35A (ribosomal protein L35a; plus strand). Cytogenetic location: 3q29.
Variant type: single nucleotide variant.
Coding change: c.200C>T on transcript NM_000996.4 (MANE Select); coding-DNA position 200, C replaced by T.
Protein change: p.Thr67Ile; replaces threonine 67 with isoleucine.
Molecular consequence: missense variant. On other transcripts: intron variant (3).
Genome position (GRCh38, 1-based): chr3:197,954,038, C>T. VCF-style: chr3-197954038-C-T. GRCh37 (hg19) VCF-style: chr3-197680909-C-T.
Other names: c.200C>T, p.Thr67Ile (NM_001316311.2); c.-50+5491G>A (NM_001323028.2); c.-60+5491G>A (NM_032263.5); c.-375+5491G>A (NM_001323029.2); short protein forms T67I.
Identifiers: ClinVar variation 4534847 (VCV004534847.6).
Genomic context (GRCh38, chr3:197,954,038, plus strand): 5'-CTCTTCTTTCCCTTTTTAAAATCAGCAACACAGTCACTCCTGGCGGCAAACCAAACAAAA[C>T]CAGAGTCATCTGGGGAAAAGTAACTCGGGCCCATGGAAACAGTGGCATGGTTCGTGCCAA-3'
Protein context (NP_000987.2, residues 57-77): TVTPGGKPNK[Thr67Ile]RVIWGKVTRA